The following is an entry in ClinVar:

ClinVar aggregate classification (germline): Uncertain significance. Review status: criteria provided, multiple submitters, no conflicts (2 of 4 stars). 2 submissions from 2 submitters: Uncertain significance (2). Last evaluated 2022-10-08.

Conditions:
Developmental and epileptic encephalopathy, 18 (DEE18). Also called: Early infantile epileptic encephalopathy 18. Identifiers: Orphanet 369894, MedGen C3809624, MONDO:0014201, OMIM 615476.

gnomAD v4.1: 7 of 1,614,132 alleles (0.00043%); highest among the groups gnomAD compares: Non-Finnish European, 0.00059%; no homozygotes.

Submissions (2):

Labcorp Genetics (formerly Invitae), Labcorp
Classification: Uncertain significance. Last evaluated: 2022-10-08. Review status: criteria provided, single submitter. Criteria: Invitae Variant Classification Sherloc (09022015). Collection method: clinical testing. Allele origin: germline.
Comment: This sequence change replaces proline, which is neutral and non-polar, with serine, which is neutral and polar, at codon 3349 of the SZT2 protein (p.Pro3349Ser). This variant is present in population databases (no rsID available, gnomAD 0.0009%). This variant has not been reported in the literature in individuals affected with SZT2-related conditions. ClinVar contains an entry for this variant (Variation ID: 1008611). Advanced modeling of protein sequence and biophysical properties (such as structural, functional, and spatial information, amino acid conservation, physicochemical variation, residue mobility, and thermodynamic stability) performed at Invitae indicates that this missense variant is not expected to disrupt SZT2 protein function. In summary, the available evidence is currently insufficient to determine the role of this variant in disease. Therefore, it has been classified as a Variant of Uncertain Significance.

Blueprint Genetics
Classification: Uncertain significance. Last evaluated: 2022-03-16. Review status: criteria provided, single submitter. Criteria: ACMG Guidelines, 2015. Collection method: clinical testing. Allele origin: germline.

NM_001365999.1(SZT2):c.10216C>T (p.Pro3406Ser)

Gene: SZT2 (SZT2 subunit of KICSTOR complex; plus strand). Cytogenetic location: 1p34.2.
Variant type: single nucleotide variant.
Coding change: c.10216C>T on transcript NM_001365999.1 (MANE Select); coding-DNA position 10216, C replaced by T.
Protein change: p.Pro3406Ser; replaces proline 3406 with serine.
Molecular consequence: missense variant.
Genome position (GRCh38, 1-based): chr1:43,450,397, C>T. VCF-style: chr1-43450397-C-T. GRCh37 (hg19) VCF-style: chr1-43916068-C-T.
Other names: c.10045C>T, p.Pro3349Ser (NM_015284.4); short protein forms P3349S, P3406S.
Identifiers: ClinVar variation 1008611 (VCV001008611.7), dbSNP rs1185160520, ClinGen allele CA339975040.